The following is an entry in ClinVar:

NM_001033044.4(GLUL):c.603+2dup

Genes: GLUL (glutamate-ammonia ligase; minus strand), LOC126805944 (CDK7 strongly-dependent group 2 enhancer GRCh37_chr1:182354799-182355998; plus strand). Cytogenetic location: 1q25.3.
Variant type: Duplication.
Coding change: c.603+2dup on transcript NM_001033044.4 (MANE Select); the canonical splice donor site of the intron after coding-DNA position 603, one base duplicated (T; older notation c.603+2dupT).
Molecular consequence: splice donor variant.
Genome position (GRCh38, 1-based): chr1:182,385,758, A duplicated on the plus strand (T on the coding strand, the reverse complement: GLUL is on the minus strand). VCF-style (leftmost placement, unchanged base first): chr1-182385757-T-TA. GRCh37 (hg19) VCF-style: chr1-182354892-T-TA.
Other names: c.603+2dup (NM_002065.7, NM_001033056.4).
Identifiers: ClinVar variation 1514210 (VCV001514210.6), dbSNP rs2101932709, ClinGen allele CA2573131303.

ClinVar aggregate classification (germline): Uncertain significance (1 of 4 stars; one submission).

Conditions:
Congenital brain dysgenesis due to glutamine synthetase deficiency (GLND). Also called: GLUTAMINE SYNTHASE DEFICIENCY, CONGENITAL SYSTEMIC. Identifiers: Orphanet 71278, MedGen C1864910, MONDO:0012393, OMIM 610015.

Submission:

Labcorp Genetics (formerly Invitae), Labcorp
Classification: Uncertain significance for Congenital brain dysgenesis due to glutamine synthetase deficiency. Last evaluated: 2022-09-13. Review status: criteria provided, single submitter. Criteria: Invitae Variant Classification Sherloc (09022015). Collection method: clinical testing. Allele origin: germline.
Comment: In summary, the available evidence is currently insufficient to determine the role of this variant in disease. Therefore, it has been classified as a Variant of Uncertain Significance. Variants that disrupt the consensus splice site are a relatively common cause of aberrant splicing (PMID: 17576681, 9536098). Algorithms developed to predict the effect of sequence changes on RNA splicing suggest that this variant may disrupt the consensus splice site. ClinVar contains an entry for this variant (Variation ID: 1514210). This variant has not been reported in the literature in individuals affected with GLUL-related conditions. This variant is not present in population databases (gnomAD no frequency). This sequence change falls in intron 6 of the GLUL gene. It does not directly change the encoded amino acid sequence of the GLUL protein. It affects a nucleotide within the consensus splice site.

Literature cited by the submitters: PubMed 17576681; PubMed 9536098.